The following is an entry in ClinVar:

NM_001040108.2(MLH3):c.3452C>T (p.Ala1151Val)

Gene: MLH3 (mutL homolog 3; minus strand). Cytogenetic location: 14q24.3.
Variant type: single nucleotide variant.
Coding change: c.3452C>T on transcript NM_001040108.2 (MANE Select); coding-DNA position 3452, C replaced by T.
Protein change: p.Ala1151Val; replaces alanine 1151 with valine.
Molecular consequence: missense variant.
Genome position (GRCh38, 1-based): chr14:75,041,628, G>A on the plus strand (C>T on the coding strand, the complement: MLH3 is on the minus strand). VCF-style: chr14-75041628-G-A. GRCh37 (hg19) VCF-style: chr14-75508331-G-A.
Other names: c.3452C>T, p.Ala1151Val (NM_014381.3); short protein forms A1151V.
Identifiers: ClinVar variation 478036 (VCV000478036.10), dbSNP rs1555344011, ClinGen allele CA390430481.
Genomic context (GRCh38, chr14:75,041,628, plus strand): 5'-GAAGAAGAAGAAAAAAAAAAGGCAAAGAAAAACTGCTACAGACCCACCTCTGGATAACGG[G>A]CAAATACTGGATTGTCCCATTCTGAGAACAAAGACTGAAGCGATTCGCTACTAACAGTAT-3'
Protein context (NP_001035197.1, residues 1141-1161): LFSEWDNPVF[Ala1151Val]RYPEVAVDVS

ClinVar aggregate classification (germline): Uncertain significance (1 of 4 stars; one submission).

Conditions:
Colorectal cancer, hereditary nonpolyposis, type 7. Identifiers: Orphanet 144, MedGen C1858380, MONDO:0013725, OMIM 614385.

Submission:

Labcorp Genetics (formerly Invitae), Labcorp
Classification: Uncertain significance for Colorectal cancer, hereditary nonpolyposis, type 7. Last evaluated: 2019-05-08. Review status: criteria provided, single submitter. Criteria: Invitae Variant Classification Sherloc (09022015). Collection method: clinical testing. Allele origin: germline.
Comment: In summary, this variant is a novel missense change that is not predicted to affect protein function. There is no indication that it causes disease, but the available evidence is currently insufficient to prove that conclusively. Therefore, it has been classified as a Variant of Uncertain Significance. Algorithms developed to predict the effect of missense changes on protein structure and function (SIFT, PolyPhen-2, Align-GVGD) all suggest that this variant is likely to be tolerated, but these predictions have not been confirmed by published functional studies. This variant is not present in population databases (ExAC no frequency) and has not been reported in the literature in individuals with a MLH3-related disease. This sequence change replaces alanine with valine at codon 1151 of the MLH3 protein (p.Ala1151Val). The alanine residue is moderately conserved and there is a small physicochemical difference between alanine and valine.